The following is an entry in ClinVar:

ClinVar aggregate classification (germline): Uncertain significance (1 of 4 stars; one submission).

Conditions:
Jeune thoracic dystrophy. Also called: Short-rib thoracic dysplasia; Jeune syndrome; Infantile thoracic dystrophy; Thoracic pelvic phalangeal dystrophy; Jeune's syndrome; Chondroectodermal dysplasia-like syndrome. Identifiers: Orphanet 474, MedGen C0265275, MONDO:0018770.

Allele frequency attached by ClinVar (database versions not stated): gnomAD 0.00001; gnomAD exomes 0.00001.
gnomAD v4.1: 4 of 1,520,510 alleles (0.00026%); highest among the groups gnomAD compares: Admixed American, 0.0088%; no homozygotes.

Submission:

Labcorp Genetics (formerly Invitae), Labcorp
Classification: Uncertain significance for Jeune thoracic dystrophy. Last evaluated: 2022-07-29. Review status: criteria provided, single submitter. Criteria: Invitae Variant Classification Sherloc (09022015). Collection method: clinical testing. Allele origin: germline.
Comment: This sequence change falls in intron 1 of the DYNC2H1 gene. It does not directly change the encoded amino acid sequence of the DYNC2H1 protein. This variant is not present in population databases (gnomAD no frequency). This variant has not been reported in the literature in individuals affected with DYNC2H1-related conditions. ClinVar contains an entry for this variant (Variation ID: 1345798). Algorithms developed to predict the effect of sequence changes on RNA splicing suggest that this variant may disrupt the consensus splice site. In summary, the available evidence is currently insufficient to determine the role of this variant in disease. Therefore, it has been classified as a Variant of Uncertain Significance.

NM_001377.3(DYNC2H1):c.196-6C>G

Gene: DYNC2H1 (dynein cytoplasmic 2 heavy chain 1; plus strand). Cytogenetic location: 11q22.3.
Variant type: single nucleotide variant.
Coding change: c.196-6C>G on transcript NM_001377.3 (MANE Select); 6 bases into the intron before coding-DNA position 196, C replaced by G.
Molecular consequence: intron variant.
Genome position (GRCh38, 1-based): chr11:103,113,531, C>G. VCF-style: chr11-103113531-C-G. GRCh37 (hg19) VCF-style: chr11-102984260-C-G.
Other names: c.196-6C>G (NM_001080463.2).
Identifiers: ClinVar variation 1345798 (VCV001345798.5), dbSNP rs1252539726, ClinGen allele CA670942838.